The following is an entry in ClinVar:

ClinVar aggregate classification (germline): Uncertain significance (1 of 4 stars; one submission).

Conditions:
Inborn genetic diseases. Identifiers: MedGen C0950123, MeSH D030342.

Allele frequency attached by ClinVar (database versions not stated): gnomAD exomes below 0.00001; gnomAD 0.00001; TOPMed 0.00001.

Submission:

Ambry Genetics
Classification: Uncertain significance for Inborn genetic diseases. Last evaluated: 2022-02-05. Review status: criteria provided, single submitter. Criteria: Ambry Variant Classification Scheme 2023. Collection method: clinical testing. Allele origin: germline.
Comment: The p.C205Y variant (also known as c.614G>A), located in coding exon 6 of the EPAS1 gene, results from a G to A substitution at nucleotide position 614. The cysteine at codon 205 is replaced by tyrosine, an amino acid with highly dissimilar properties. This amino acid position is conserved. In addition, this alteration is predicted to be tolerated by in silico analysis. Since supporting evidence is limited at this time, the clinical significance of this alteration remains unclear.

NM_001430.5(EPAS1):c.614G>A (p.Cys205Tyr)

Genes: EPAS1 (endothelial PAS domain protein 1; plus strand), LOC126806210 (BRD4-independent group 4 enhancer GRCh37_chr2:46587586-46588785; plus strand). Cytogenetic location: 2p21.
Variant type: single nucleotide variant.
Coding change: c.614G>A on transcript NM_001430.5 (MANE Select); coding-DNA position 614, G replaced by A.
Protein change: p.Cys205Tyr; replaces cysteine 205 with tyrosine.
Molecular consequence: missense variant.
Genome position (GRCh38, 1-based): chr2:46,360,925, G>A. VCF-style: chr2-46360925-G-A. GRCh37 (hg19) VCF-style: chr2-46588064-G-A.
Other names: short protein forms C205Y.
Identifiers: ClinVar variation 1751878 (VCV001751878.2), dbSNP rs1268109517, ClinGen allele CA346699858.